The following is an entry in ClinVar:

ClinVar aggregate classification (germline): Likely benign (1 of 4 stars; one submission).

Allele frequency attached by ClinVar (database versions not stated): gnomAD exomes 0.00001; ExAC 0.00002; gnomAD 0.00002.
gnomAD v4.1: 21 of 1,613,804 alleles (0.0013%); highest among the groups gnomAD compares: Middle Eastern, 0.049%; no homozygotes.

Submission:

CeGaT Center for Human Genetics Tuebingen
Classification: Likely benign. Last evaluated: 2022-04-01. Review status: criteria provided, single submitter. Criteria: CeGaT Center For Human Genetics Tuebingen Variant Classification Criteria Version 2. Collection method: clinical testing. Allele origin: germline. Affected: yes. Observed: 1 variant allele.
Comment: AC087721.2: BP4, BP7; NUSAP1: BP4, BP7

NM_016359.5(NUSAP1):c.189T>G (p.Ser63=)

Gene: NUSAP1 (nucleolar and spindle associated protein 1; plus strand). Cytogenetic location: 15q15.1.
Variant type: single nucleotide variant.
Coding change: c.189T>G on transcript NM_016359.5 (MANE Select); coding-DNA position 189, T replaced by G.
Protein change: p.Ser63=; no amino-acid change (serine 63 retained).
Molecular consequence: synonymous variant.
Genome position (GRCh38, 1-based): chr15:41,349,124, T>G. VCF-style: chr15-41349124-T-G. GRCh37 (hg19) VCF-style: chr15-41641322-T-G.
Other names: c.189T>G, p.Ser63= (NM_001243142.2, NM_001243143.2, NM_001301136.2 and 1 more transcripts); c.120T>G, p.Ser40= (NM_001243144.2).
Identifiers: ClinVar variation 2645190 (VCV002645190.23), dbSNP rs757874070, ClinGen allele CA7490814.